The following is an entry in ClinVar:

NM_032776.3(JMJD1C):c.4253C>T (p.Ser1418Phe)

Gene: JMJD1C (jumonji domain containing 1C; minus strand). Cytogenetic location: 10q21.3.
Variant type: single nucleotide variant.
Coding change: c.4253C>T on transcript NM_032776.3 (MANE Select); coding-DNA position 4253, C replaced by T.
Protein change: p.Ser1418Phe; replaces serine 1418 with phenylalanine.
Molecular consequence: missense variant. On other transcripts: non-coding transcript variant (1).
Genome position (GRCh38, 1-based): chr10:63,207,416, G>A on the plus strand (C>T on the coding strand, the complement: JMJD1C is on the minus strand). VCF-style: chr10-63207416-G-A. GRCh37 (hg19) VCF-style: chr10-64967176-G-A.
Other names: c.3389C>T, p.Ser1130Phe (NM_001318153.2); c.3707C>T, p.Ser1236Phe (NM_001318154.2, NM_001282948.2); c.4139C>T, p.Ser1380Phe (NM_001322252.2); c.3596C>T, p.Ser1199Phe (NM_001322254.2, NM_001322258.2); short protein forms S1380F, S1236F, S1418F, S1130F, S1199F.
Identifiers: ClinVar variation 1043669 (VCV001043669.8), dbSNP rs764296172, ClinGen allele CA5518300.
Genomic context (GRCh38, chr10:63,207,416, plus strand): 5'-ACACTTTTTGAAGATACACATTCTGATGATGTAGAGGCCAAAATGGTATTTGATAAAGAG[G>A]AAATTACTTCTGAACCACCCCAGCTGGAAACACTGGTAGTATCGGCAGCAGATGTGATTA-3'
Protein context (NP_116165.1, residues 1408-1428): VSSWGGSEVI[Ser1418Phe]SLSNTILAST

ClinVar aggregate classification (germline): Uncertain significance (1 of 4 stars; one submission).

Conditions:
Early Myoclonic Encephalopathy. Identifiers: MedGen C0270855.

Allele frequency attached by ClinVar (database versions not stated): ExAC 0.00002; TOPMed below 0.00001; gnomAD exomes 0.00002.
gnomAD v4.1: 20 of 1,614,142 alleles (0.0012%); highest among the groups gnomAD compares: South Asian, 0.02%; 1 homozygote.

Submission:

Labcorp Genetics (formerly Invitae), Labcorp
Classification: Uncertain significance for Early Myoclonic Encephalopathy. Last evaluated: 2024-02-26. Review status: criteria provided, single submitter. Criteria: Invitae Variant Classification Sherloc (09022015). Collection method: clinical testing. Allele origin: germline.
Comment: This sequence change replaces serine, which is neutral and polar, with phenylalanine, which is neutral and non-polar, at codon 1418 of the JMJD1C protein (p.Ser1418Phe). This variant is present in population databases (rs764296172, gnomAD 0.02%). This variant has not been reported in the literature in individuals affected with JMJD1C-related conditions. ClinVar contains an entry for this variant (Variation ID: 1043669). Advanced modeling of protein sequence and biophysical properties (such as structural, functional, and spatial information, amino acid conservation, physicochemical variation, residue mobility, and thermodynamic stability) performed at Invitae indicates that this missense variant is not expected to disrupt JMJD1C protein function with a negative predictive value of 80%. In summary, the available evidence is currently insufficient to determine the role of this variant in disease. Therefore, it has been classified as a Variant of Uncertain Significance.